The following is an entry in ClinVar:

NM_001367823.1(ARHGEF18):c.2326G>A (p.Ala776Thr)

Gene: ARHGEF18 (Rho/Rac guanine nucleotide exchange factor 18; plus strand). Cytogenetic location: 19p13.2.
Variant type: single nucleotide variant.
Coding change: c.2326G>A on transcript NM_001367823.1 (MANE Select); coding-DNA position 2326, G replaced by A.
Protein change: p.Ala776Thr; replaces alanine 776 with threonine.
Molecular consequence: missense variant.
Genome position (GRCh38, 1-based): chr19:7,458,656, G>A. VCF-style: chr19-7458656-G-A. GRCh37 (hg19) VCF-style: chr19-7523542-G-A.
Other names: c.1288G>A, p.Ala430Thr (NM_001367824.1, NM_015318.4); c.1600G>A, p.Ala534Thr (NM_001130955.2); c.1762G>A (NM_001130955.1); short protein forms A430T, A534T, A776T.
Identifiers: ClinVar variation 1346627 (VCV001346627.8), dbSNP rs374950645, ClinGen allele CA9136786.

ClinVar aggregate classification (germline): Conflicting classifications of pathogenicity. Review status: criteria provided, conflicting classifications (1 of 4 stars). 3 submissions from 3 submitters: Uncertain significance (2); Likely benign (1). Last evaluated 2025-11-17.

Conditions:
Inborn genetic diseases. Identifiers: MedGen C0950123, MeSH D030342.

Allele frequency attached by ClinVar (database versions not stated): ExAC 0.00001; gnomAD exomes 0.00003 and 0.00006; gnomAD 0.00004; TOPMed 0.00005; ESP Exome Variant Server 0.00015.
gnomAD v4.1: 92 of 1,613,782 alleles (0.0057%); highest among the groups gnomAD compares: Non-Finnish European, 0.0071%; no homozygotes.

Submissions (3):

Labcorp Genetics (formerly Invitae), Labcorp
Classification: Uncertain significance. Last evaluated: 2025-11-17. Review status: criteria provided, single submitter. Criteria: Invitae Variant Classification Sherloc (09022015). Collection method: clinical testing. Allele origin: germline.
Comment: This sequence change replaces alanine, which is neutral and non-polar, with threonine, which is neutral and polar, at codon 588 of the ARHGEF18 protein (p.Ala588Thr). This variant is present in population databases (rs374950645, gnomAD 0.008%). This variant has not been reported in the literature in individuals affected with ARHGEF18-related conditions. ClinVar contains an entry for this variant (Variation ID: 1346627). An algorithm developed to predict the effect of missense changes on protein structure and function outputs the following: PolyPhen-2: "Benign". The threonine amino acid residue is found in multiple mammalian species, which suggests that this missense change does not adversely affect protein function. In summary, the available evidence is currently insufficient to determine the role of this variant in disease. Therefore, it has been classified as a Variant of Uncertain Significance.

Ambry Genetics
Classification: Likely benign for Inborn genetic diseases. Last evaluated: 2023-12-06. Review status: criteria provided, single submitter. Criteria: Ambry Variant Classification Scheme 2023. Collection method: clinical testing. Allele origin: germline.

Blueprint Genetics
Classification: Uncertain significance. Last evaluated: 2021-10-21. Review status: criteria provided, single submitter. Criteria: ACMG Guidelines, 2015. Collection method: clinical testing. Allele origin: germline.